The following is an entry in ClinVar:

ClinVar aggregate classification (germline): Uncertain significance (1 of 4 stars; one submission).

Conditions:
Baller-Gerold syndrome (BGS). Also called: CRANIOSYNOSTOSIS WITH RADIAL DEFECTS. Identifiers: Orphanet 1225, MedGen C0265308, MONDO:0009039, OMIM 218600.

Allele frequency attached by ClinVar (database versions not stated): gnomAD exomes below 0.00001; TOPMed below 0.00001.
gnomAD v4.1: 1 of 1,609,842 alleles (0.000062%); highest among the groups gnomAD compares: Non-Finnish European, 0.000085%; no homozygotes.

Submission:

Labcorp Genetics (formerly Invitae), Labcorp
Classification: Uncertain significance for Baller-Gerold syndrome. Last evaluated: 2021-04-26. Review status: criteria provided, single submitter. Criteria: Invitae Variant Classification Sherloc (09022015). Collection method: clinical testing. Allele origin: germline.
Comment: In summary, the available evidence is currently insufficient to determine the role of this variant in disease. Therefore, it has been classified as a Variant of Uncertain Significance. Nucleotide substitutions within the consensus splice site are a relatively common cause of aberrant splicing (PMID: 17576681, 9536098). Experimental studies and prediction algorithms are not available or were not evaluated, and the effect of this variant on mRNA splicing is currently unknown. This variant has not been reported in the literature in individuals with RECQL4-related conditions. ClinVar contains an entry for this variant (Variation ID: 1004557). This variant is not present in population databases (ExAC no frequency). This sequence change falls in intron 5 of the RECQL4 gene. It does not directly change the encoded amino acid sequence of the RECQL4 protein. It affects a nucleotide within the consensus splice site of the intron.

Literature cited by the submitters: PubMed 17576681; PubMed 9536098.

NM_004260.4(RECQL4):c.1131+4A>G

Gene: RECQL4 (RecQ like helicase 4; minus strand). Cytogenetic location: 8q24.3.
Variant type: single nucleotide variant.
Coding change: c.1131+4A>G on transcript NM_004260.4 (MANE Select); 4 bases into the intron after coding-DNA position 1131, A replaced by G.
Molecular consequence: intron variant.
Genome position (GRCh38, 1-based): chr8:144,515,984, T>C on the plus strand (A>G on the coding strand, the complement: RECQL4 is on the minus strand). VCF-style: chr8-144515984-T-C. GRCh37 (hg19) VCF-style: chr8-145741368-T-C.
Identifiers: ClinVar variation 1004557 (VCV001004557.5), dbSNP rs1828124749, ClinGen allele CA1826368766.